The following is an entry in ClinVar:

NM_002016.2(FLG):c.1714C>T (p.Arg572Ter)

Genes: CCDST (cervical cancer associated DHX9 suppressive transcript; plus strand), FLG (filaggrin; minus strand). Cytogenetic location: 1q21.3.
Variant type: single nucleotide variant.
Coding change: c.1714C>T on transcript NM_002016.2 (MANE Select); coding-DNA position 1714, C replaced by T.
Protein change: p.Arg572Ter; replaces arginine 572 with a stop codon.
Molecular consequence: nonsense.
Genome position (GRCh38, 1-based): chr1:152,313,172, G>A on the plus strand (C>T on the coding strand, the complement: FLG is on the minus strand). VCF-style: chr1-152313172-G-A. GRCh37 (hg19) VCF-style: chr1-152285648-G-A.
Other names: c.1714C>T (NM_002016.1); short protein forms R572*.
Identifiers: ClinVar variation 1345023 (VCV001345023.13), dbSNP rs200601767, ClinGen allele CA1107510.

ClinVar aggregate classification (germline): Pathogenic/Likely pathogenic. Review status: criteria provided, multiple submitters, no conflicts (2 of 4 stars). 7 submissions from 7 submitters: Pathogenic (2); Likely pathogenic (5). Last evaluated 2026-08-17.

Conditions:
FLG-related disorder. Also called: FLG-related disorders; FLG-related condition.
Ichthyosis vulgaris. Also called: ICHTHYOSIS SIMPLEX; Dominant ichthyosis vulgaris. Identifiers: MedGen C0079584, MONDO:0024304, OMIM 146700.
Dermatitis, atopic, 2. Identifiers: MedGen C1853965, MONDO:0011596, OMIM 605803.

Allele frequency attached by ClinVar (database versions not stated): ESP Exome Variant Server 0.00008.
gnomAD v4.1: 93 of 1,613,766 alleles (0.0058%); highest among the groups gnomAD compares: South Asian, 0.064%; 2 homozygotes.

Submissions (7):

Institute of Human Genetics, University of Leipzig Medical Center
Classification: Likely pathogenic for Dermatitis, atopic, 2. Last evaluated: 2026-08-17. Review status: criteria provided, single submitter. Criteria: ACMG Guidelines, 2015. Collection method: clinical testing. Allele origin: unknown. Inheritance: Autosomal dominant inheritance. Affected: yes.
Comment: Criteria applied: PVS1

PreventionGenetics, part of Exact Sciences
Classification: Pathogenic for FLG-related condition. Last evaluated: 2026-07-31. Review status: criteria provided, single submitter. Criteria: ACMG Guidelines, 2015. Collection method: clinical testing. Allele origin: germline.
Comment: The FLG c.1714C>T variant is predicted to result in premature protein termination (p.Arg572*). This variant has been reported along with other loss-of-function FLG variants in individuals with symptoms of ichthyosis vulgaris (Srinivas et al. 2023. PubMed ID: 37067103; Thomas et al. 2023. PubMed ID: 36840480). This variant is reported in 0.065% of alleles in individuals of South Asian descent in gnomAD. Nonsense variants in FLG are expected to be pathogenic. This variant is interpreted as pathogenic.

GeneDx
Classification: Pathogenic. Last evaluated: 2026-02-14. Review status: criteria provided, single submitter. Criteria: GeneDx Variant Classification Process June 2021. Collection method: clinical testing. Allele origin: germline. Affected: yes.
Comment: Reported with a second variant (phase unknown) in patients with atopic dermatitis (PMID: 37067103, 36840480); Nonsense variant predicted to result in protein truncation, as the last 3490 amino acid(s) are lost, and other loss-of-function variants have been reported downstream in HGMD; This variant is associated with the following publications: (PMID: 37067103, 36840480, 16444271)

Blueprint Genetics
Classification: Likely pathogenic for FLG-related disorders. Last evaluated: 2024-07-19. Review status: criteria provided, single submitter. Criteria: ACMG Guidelines, 2015. Collection method: clinical testing. Allele origin: germline. Affected: yes. Observed: 5 variant alleles.

Genome-Nilou Lab
Classification: Likely pathogenic for Ichthyosis vulgaris. Last evaluated: 2023-04-11. Review status: criteria provided, single submitter. Criteria: ACMG Guidelines, 2015. Collection method: clinical testing. Allele origin: germline. Affected: no.

3billion
Classification: Likely pathogenic for Ichthyosis vulgaris. Last evaluated: 2023-02-23. Review status: criteria provided, single submitter. Criteria: ACMG Guidelines, 2015. Collection method: clinical testing. Allele origin: unknown. Affected: yes.
Comment: The variant is observed at an extremely low frequency in the gnomAD v2.1.1 dataset (total allele frequency: 0.010%). This variant was predicted to result in a loss or disruption of normal protein function through protein truncation. The predicted truncated protein may be shortened by more than 10%. The variant has been reported to be associated with FLG -related disorder (ClinVar ID: VCV001345023). However, the evidence of pathogenicity is insufficient at this time. Therefore, this variant is classified as Likely pathogenic according to the recommendation of ACMG/AMP guideline.

Genetics and Genomic Medicine Centre, NeuroGen Healthcare, NeuroGen Healthcare
Classification: Likely pathogenic for Ichthyosis vulgaris. Last evaluated: 2020-12-19. Review status: criteria provided, single submitter. Criteria: Submitter's publication. Collection method: clinical testing. Allele origin: unknown. Affected: no.